The following is an entry in ClinVar:

ClinVar aggregate classification (germline): Likely pathogenic (1 of 4 stars; one submission).

Conditions:
Autosomal recessive limb-girdle muscular dystrophy type 2J (LGMDR10). Also called: Limb-girdle muscular dystrophy, type 2J; MUSCULAR DYSTROPHY, LIMB-GIRDLE, AUTOSOMAL RECESSIVE 10. Identifiers: Orphanet 140922, MedGen C1837342, MONDO:0012127, OMIM 608807.
Dilated cardiomyopathy 1G (CMD1G). Identifiers: Orphanet 154, MedGen C1858763, MONDO:0011400, OMIM 604145.

Submission:

Labcorp Genetics (formerly Invitae), Labcorp
Classification: Likely pathogenic for Dilated cardiomyopathy 1G; Autosomal recessive limb-girdle muscular dystrophy type 2J. Last evaluated: 2025-12-20. Review status: criteria provided, single submitter. Criteria: Invitae Variant Classification Sherloc (09022015). Collection method: clinical testing. Allele origin: germline.
Comment: This sequence change creates a premature translational stop signal (p.His15525Glnfs*6) in the TTN gene. While this is not anticipated to result in nonsense mediated decay, it is expected to create a truncated TTN protein. This variant is not present in population databases (gnomAD no frequency). This variant has not been reported in the literature in individuals affected with TTN-related conditions. This variant is located in the I band of TTN (PMID: 25589632). Truncating variants in this region have been reported in individuals affected with autosomal recessive centronuclear myopathy (PMID: 23975875, internal data). Truncating variants in this region have also been identified in individuals affected with autosomal dominant dilated cardiomyopathy and/or cardio-related conditions (PMID: 27869827, 32964742, internal data). In summary, the currently available evidence indicates that the variant is pathogenic, but additional data are needed to prove that conclusively. Therefore, this variant has been classified as Likely Pathogenic.

Literature cited by the submitters: PubMed 25589632; PubMed 23975875; PubMed 27869827; PubMed 32964742.

NM_001267550.2(TTN):c.46574dup (p.His15525fs)

Genes: TTN (titin; minus strand), TTN-AS1 (TTN antisense RNA 1; plus strand). Cytogenetic location: 2q31.2.
Variant type: Duplication.
Coding change: c.46574dup on transcript NM_001267550.2 (MANE Select); coding-DNA position 46574, one base duplicated (A; older notation c.46574dupA).
Protein change: p.His15525fs; shifts the reading frame from histidine 15525.
Molecular consequence: frameshift variant.
Genome position (GRCh38, 1-based): chr2:178,619,743, T duplicated on the plus strand (A on the coding strand, the reverse complement: TTN is on the minus strand). VCF-style (leftmost placement, unchanged base first): chr2-178619742-G-GT. GRCh37 (hg19) VCF-style: chr2-179484469-G-GT.
Other names: c.41651dup, p.His13884fs (NM_001256850.1); c.19379dup, p.His6460fs (NM_003319.4); c.38870dup, p.His12957fs (NM_133378.4); c.19754dup, p.His6585fs (NM_133432.3); c.19955dup, p.His6652fs (NM_133437.4); short protein forms H12957fs, H15525fs, H13884fs, H6585fs, H6460fs, H6652fs.
Identifiers: ClinVar variation 4787024 (VCV004787024.1).